The following is an entry in ClinVar:

NM_002435.3(MPI):c.140C>G (p.Ala47Gly)

Gene: MPI (mannose phosphate isomerase; plus strand). Cytogenetic location: 15q24.1.
Variant type: single nucleotide variant.
Coding change: c.140C>G on transcript NM_002435.3 (MANE Select); coding-DNA position 140, C replaced by G.
Protein change: p.Ala47Gly; replaces alanine 47 with glycine.
Molecular consequence: missense variant. On other transcripts: intron variant (1).
Genome position (GRCh38, 1-based): chr15:74,890,650, C>G. VCF-style: chr15-74890650-C-G. GRCh37 (hg19) VCF-style: chr15-75182991-C-G.
Other names: c.140C>G, p.Ala47Gly (NM_001289155.2, NM_001289157.2); c.80C>G, p.Ala27Gly (NM_001330372.2); c.-7+561C>G (NM_001289156.2); short protein forms A47G, A27G.
Identifiers: ClinVar variation 2165446 (VCV002165446.1), dbSNP rs1179088321, ClinGen allele CA393169729.
Genomic context (GRCh38, chr15:74,890,650, plus strand): 5'-TGGCGCGGCTGTTGGCCAGCAGTGATCCACTGGCCCAGATCGCAGAGGACAAGCCTTATG[C>G]AGAGGTGAGCCCCGGGCTGTATTTCAGCCCACTTTACCCGCAGGTCAGGAGAAAGGGCCT-3'
Protein context (NP_002426.1, residues 37-57): LAQIAEDKPY[Ala47Gly]ELWMGTHPRG

ClinVar aggregate classification (germline): Uncertain significance (1 of 4 stars; one submission).

Conditions:
MPI-congenital disorder of glycosylation. Also called: PROTEIN-LOSING ENTEROPATHY-HEPATIC FIBROSIS SYNDROME; MPI DEFICIENCY; CONGENITAL DISORDER OF GLYCOSYLATION, TYPE Ib; CDG Ib; MANNOSEPHOSPHATE ISOMERASE DEFICIENCY; MPI-CDG. Identifiers: Orphanet 79319, MedGen C1865145, MONDO:0011257, OMIM 602579.

Allele frequency attached by ClinVar (database versions not stated): gnomAD exomes below 0.00001; TOPMed below 0.00001.
gnomAD v4.1: 1 of 1,613,762 alleles (0.000062%); highest among the groups gnomAD compares: East Asian, 0.0022%; no homozygotes.

Submission:

Labcorp Genetics (formerly Invitae), Labcorp
Classification: Uncertain significance for MPI-congenital disorder of glycosylation. Last evaluated: 2022-10-13. Review status: criteria provided, single submitter. Criteria: Invitae Variant Classification Sherloc (09022015). Collection method: clinical testing. Allele origin: germline.
Comment: This sequence change replaces alanine, which is neutral and non-polar, with glycine, which is neutral and non-polar, at codon 47 of the MPI protein (p.Ala47Gly). This variant is present in population databases (no rsID available, gnomAD 0.006%). This variant has not been reported in the literature in individuals affected with MPI-related conditions. Advanced modeling of protein sequence and biophysical properties (such as structural, functional, and spatial information, amino acid conservation, physicochemical variation, residue mobility, and thermodynamic stability) performed at Invitae indicates that this missense variant is not expected to disrupt MPI protein function. In summary, the available evidence is currently insufficient to determine the role of this variant in disease. Therefore, it has been classified as a Variant of Uncertain Significance.